The following is an entry in ClinVar:

GRCh37/hg19 12q14.3(chr12:65716808-66690108)x1

Genes: HMGA2 (high mobility group AT-hook 2; plus strand), IRAK3 (interleukin 1 receptor associated kinase 3; plus strand), LLPH (LLP homolog, long-term synaptic facilitation factor; minus strand), MSRB3 (methionine sulfoxide reductase B3; plus strand), TMBIM4 (transmembrane BAX inhibitor motif containing 4; minus strand). Cytogenetic location: 12q14.3.
Variant type: copy number loss.
Change: copy number 1 (one copy instead of two) of chr12:65,716,808-66,690,108 (973.3 kb, GRCh37 coordinates, 1-based), cytogenetic band 12q14.3.
Identifiers: ClinVar variation 2685438 (VCV002685438.1).

ClinVar aggregate classification (germline): Pathogenic (1 of 4 stars; one submission).

Submission:

Quest Diagnostics Nichols Institute San Juan Capistrano
Classification: Pathogenic. Last evaluated: 2022-09-24. Review status: criteria provided, single submitter. Criteria: ACMG/ClinGen CNV Guidelines, 2019. Collection method: clinical testing. Allele origin: unknown.
Comment: The copy number loss of 12q14.3 involves multiple protein-coding genes, including HMGA2 (OMIM 600698). Haploinsufficiency of HMGA2 is associated with autosomal dominant Silver-Russell syndrome-5 (OMIM 618908, Meyer 2021, Mercadante 2020, Heldt 2018, Abi Habib 2018, Leszinski 2018, Spengler 2010, De Crescenzo 2015, Costain 2018, Fischetto 2017). There are no similar copy number losses of this region in the general populations of the Database of Genomic Variants. Thus, based on current medical literature and gene content, this copy number variant (CNV) is classified as pathogenic. References: Abi Habib et al., Genet Med. 2018 Feb;20(2):250-258. PMID: 28796236 Buysse et al., Eur J Med Genet. 2009 Mar-Jun;52(2-3):101-7. PMID: 19298872 Costain et al., Eur J Hum Genet. 2018 May;26(5):740-744. PMID: 29453418 De Crescenzo et al., J Hum Genet. 2015 Jun;60(6):287-93. PMID: 25809938 Fischetto et al., Am J Med Genet A. 2017 Jul;173(7):1922-1930. PMID: 28407409 Heldt et al., Eur J Med Genet. 2018 Aug;61(8):421-427. PMID: 29501611 Hubner et al., J Clin Endocrinol Metab. 2020 Jul 1;105(7):dgaa273. PMID: 32421827 Leszinski et al., Gene. 2018 Jul 15;663:110-114. PMID: 29655892. Mercadante et al., Ital J Pediatr. 2020 Jul 28;46(1):108. doi: 10.1186/s13052-020-00866-9. PMID: 32723361 Meyer et al., Orphanet J Rare Dis. 2021 Jan 22;16(1):42. PMID: 33482836 Spengler et al., J Med Genet. 2010 May;47(5):356-60. PMID: 19762329